The following is an entry in ClinVar:

NM_020461.4(TUBGCP6):c.3476A>T (p.Asn1159Ile)

Gene: TUBGCP6 (tubulin gamma complex component 6; minus strand). Cytogenetic location: 22q13.33.
Variant type: single nucleotide variant.
Coding change: c.3476A>T on transcript NM_020461.4 (MANE Select); coding-DNA position 3476, A replaced by T.
Protein change: p.Asn1159Ile; replaces asparagine 1159 with isoleucine.
Molecular consequence: missense variant.
Genome position (GRCh38, 1-based): chr22:50,220,883, T>A on the plus strand (A>T on the coding strand, the complement: TUBGCP6 is on the minus strand). VCF-style: chr22-50220883-T-A. GRCh37 (hg19) VCF-style: chr22-50659312-T-A.
Other names: short protein forms N1159I.
Identifiers: ClinVar variation 2089141 (VCV002089141.4), dbSNP rs771759610, ClinGen allele CA10307936.

ClinVar aggregate classification (germline): Uncertain significance (1 of 4 stars; one submission).

Allele frequency attached by ClinVar (database versions not stated): gnomAD 0.00001; gnomAD exomes 0.00002; ExAC 0.00004.
gnomAD v4.1: 33 of 1,612,056 alleles (0.002%); highest among the groups gnomAD compares: South Asian, 0.035%; no homozygotes.

Submission:

Labcorp Genetics (formerly Invitae), Labcorp
Classification: Uncertain significance. Last evaluated: 2022-10-30. Review status: criteria provided, single submitter. Criteria: Invitae Variant Classification Sherloc (09022015). Collection method: clinical testing. Allele origin: germline.
Comment: This variant is present in population databases (rs771759610, gnomAD 0.03%). This sequence change replaces asparagine, which is neutral and polar, with isoleucine, which is neutral and non-polar, at codon 1159 of the TUBGCP6 protein (p.Asn1159Ile). In summary, the available evidence is currently insufficient to determine the role of this variant in disease. Therefore, it has been classified as a Variant of Uncertain Significance. Algorithms developed to predict the effect of missense changes on protein structure and function are either unavailable or do not agree on the potential impact of this missense change (SIFT: "Deleterious"; PolyPhen-2: "Not Available"; Align-GVGD: "Class C0"). This variant has not been reported in the literature in individuals affected with TUBGCP6-related conditions.